The following is an entry in ClinVar:

ClinVar aggregate classification (germline): Uncertain significance. Review status: criteria provided, multiple submitters, no conflicts (2 of 4 stars). 3 submissions from 3 submitters: Uncertain significance (2). 1 of the submissions does not count toward it. Last evaluated 2022-08-23.

Conditions:
Breast and/or ovarian cancer. Identifiers: MedGen CN221562.
Hereditary cancer-predisposing syndrome. Also called: Neoplastic Syndromes, Hereditary; Tumor predisposition; Hereditary Cancer Syndrome; Hereditary neoplastic syndrome. Identifiers: Orphanet 140162, MedGen C0027672, MeSH D009386, MONDO:0015356.
Hereditary breast ovarian cancer syndrome. Also called: Breast and ovarian cancer; Hereditary breast and ovarian cancer; Hereditary breast and/or ovarian cancer syndrome; BRCA1- and BRCA2-Associated Hereditary Breast and Ovarian Cancer; Hereditary breast and ovarian cancer syndrome; Hereditary breast and ovarian cancer syndrome (HBOC). Identifiers: Orphanet 145, MedGen C0677776, MeSH D061325, MONDO:0003582. Disease mechanism: loss of function.

Submissions (3):

Labcorp Genetics (formerly Invitae), Labcorp
Classification: Uncertain significance for Hereditary breast ovarian cancer syndrome. Last evaluated: 2022-08-23. Review status: criteria provided, single submitter. Criteria: Invitae Variant Classification Sherloc (09022015). Collection method: clinical testing. Allele origin: germline.
Comment: In summary, the available evidence is currently insufficient to determine the role of this variant in disease. Therefore, it has been classified as a Variant of Uncertain Significance. Experimental studies and prediction algorithms are not available or were not evaluated, and the functional significance of this variant is currently unknown. ClinVar contains an entry for this variant (Variation ID: 142295). This variant has not been reported in the literature in individuals affected with BRCA2-related conditions. This variant is not present in population databases (gnomAD no frequency). This variant, c.9435_9443del, results in the deletion of 3 amino acid(s) of the BRCA2 protein (p.Phe3146_Ala3148del), but otherwise preserves the integrity of the reading frame.

Ambry Genetics
Classification: Uncertain significance for Hereditary cancer-predisposing syndrome. Last evaluated: 2013-08-12. Review status: criteria provided, single submitter. Criteria: Ambry Autosomal Dominant and X-Linked criteria (10/2015). Collection method: clinical testing. Allele origin: germline. Observed: 1 variant allele.
Comment: Ã¢â‚¬â€¹The c.9435_9443delGTTTTCTGC variant (also known as 9663del9) is located in coding exon 24 of the BRCA2 gene. This variant results from a deletion of nine nucleotides between positions 9435 and 9443, causing an in-frame deletion of three well-conserved amino acids at codons 3146-3148. This variant was not reported in population-based cohorts in the following databases: Database of Single Nucleotide Polymorphisms (dbSNP), NHLBI Exome Sequencing Project (ESP) and 1000 Genomes Project. Since supporting evidence is limited at this time, the clinical significance of c.9435_9443delGTTTTCTGC remains unclear.

Foulkes Cancer Genetics LDI, Lady Davis Institute for Medical Research
Classification: Uncertain significance for Breast and/or ovarian cancer. Review status: no assertion criteria provided. Collection method: clinical testing. Allele origin: germline. Study: The Canadian Open Genetics Repository (COGR). Not counted in ClinVar's aggregate classification.

NM_000059.4(BRCA2):c.9435_9443del (p.Phe3146_Ala3148del)

Gene: BRCA2 (BRCA2 DNA repair associated; plus strand). Cytogenetic location: 13q13.1.
Variant type: Deletion.
Coding change: c.9435_9443del on transcript NM_000059.4 (MANE Select); coding-DNA positions 9435 to 9443, 9 bases deleted (GTTTTCTGC; older notation c.9435_9443delGTTTTCTGC).
Protein change: p.Phe3146_Ala3148del.
Molecular consequence: inframe deletion.
Genome position (GRCh38, 1-based): chr13:32,394,867-32,394,875, GTTTTCTGC deleted. VCF-style (leftmost placement, unchanged base first): chr13-32394866-TGTTTTCTGC-T. GRCh37 (hg19) VCF-style: chr13-32969003-TGTTTTCTGC-T.
Other names: c.9435_9443delGTTTTCTGC (NM_000059.3).
Identifiers: ClinVar variation 142295 (VCV000142295.13), dbSNP rs587782367, ClinGen allele CA026157.